The following is an entry in ClinVar:

NM_170784.3(MKKS):c.529T>C (p.Leu177=)

Gene: MKKS (MKKS centrosomal shuttling protein; minus strand). Cytogenetic location: 20p12.2.
Variant type: single nucleotide variant.
Coding change: c.529T>C on transcript NM_170784.3 (MANE Select); coding-DNA position 529, T replaced by C.
Protein change: p.Leu177=; no amino-acid change (leucine 177 retained).
Molecular consequence: synonymous variant.
Genome position (GRCh38, 1-based): chr20:10,412,986, A>G on the plus strand (T>C on the coding strand, the complement: MKKS is on the minus strand). VCF-style: chr20-10412986-A-G. GRCh37 (hg19) VCF-style: chr20-10393634-A-G.
Other names: c.529T>C, p.Leu177= (NM_018848.3).
Identifiers: ClinVar variation 2941956 (VCV002941956.4), dbSNP rs1203412687, ClinGen allele CA509815272.

ClinVar aggregate classification (germline): Likely benign. Review status: criteria provided, multiple submitters, no conflicts (2 of 4 stars). 2 submissions from 2 submitters: Likely benign (2). Last evaluated 2025-06-18.

Conditions:
Bardet-Biedl syndrome (BBS). Identifiers: Orphanet 110, MedGen C0752166, MONDO:0015229.
McKusick-Kaufman syndrome (MKKS). Also called: HYDROMETROCOLPOS SYNDROME; HYDROMETROCOLPOS, POSTAXIAL POLYDACTYLY, AND CONGENITAL HEART MALFORMATION. Identifiers: Orphanet 2473, MedGen C0948368, MONDO:0009367, OMIM 236700.
MKKS-related disorder. Also called: MKKS-related condition; MKKS-related disorders.

Submissions (2):

PreventionGenetics, part of Exact Sciences
Classification: Likely benign for MKKS-related condition. Last evaluated: 2025-06-18. Review status: criteria provided, single submitter. Criteria: ACMG Guidelines, 2015. Collection method: clinical testing. Allele origin: germline.
Comment: This variant is classified as likely benign based on ACMG/AMP sequence variant interpretation guidelines (Richards et al. 2015 PMID: 25741868, with internal and published modifications).

Labcorp Genetics (formerly Invitae), Labcorp
Classification: Likely benign for McKusick-Kaufman syndrome; Bardet-Biedl syndrome. Last evaluated: 2023-07-27. Review status: criteria provided, single submitter. Criteria: Invitae Variant Classification Sherloc (09022015). Collection method: clinical testing. Allele origin: germline.